The following is an entry in ClinVar:

NM_018714.3(COG1):c.561-1G>A

Gene: COG1 (component of oligomeric golgi complex 1; plus strand). Cytogenetic location: 17q25.1.
Variant type: single nucleotide variant.
Coding change: c.561-1G>A on transcript NM_018714.3 (MANE Select); the canonical splice acceptor site of the intron before coding-DNA position 561, G replaced by A.
Molecular consequence: splice acceptor variant.
Genome position (GRCh38, 1-based): chr17:73,196,899, G>A. VCF-style: chr17-73196899-G-A. GRCh37 (hg19) VCF-style: chr17-71193038-G-A.
Identifiers: ClinVar variation 2098246 (VCV002098246.4), dbSNP rs771513054, ClinGen allele CA400884360.

ClinVar aggregate classification (germline): Likely pathogenic (1 of 4 stars; one submission).

Conditions:
COG1 congenital disorder of glycosylation (CDG2G). Also called: CONGENITAL DISORDER OF GLYCOSYLATION, TYPE IIg; CDG IIg; CDGII/COG1 CEREBROCOSTOMANDIBULAR-LIKE SYNDROME. Identifiers: Orphanet 263508, MedGen C2931011, MONDO:0012637, OMIM 611209.

Submission:

Labcorp Genetics (formerly Invitae), Labcorp
Classification: Likely pathogenic for COG1 congenital disorder of glycosylation. Last evaluated: 2025-01-27. Review status: criteria provided, single submitter. Criteria: Invitae Variant Classification Sherloc (09022015). Collection method: clinical testing. Allele origin: germline.
Comment: This sequence change affects an acceptor splice site in intron 2 of the COG1 gene. It is expected to disrupt RNA splicing. Variants that disrupt the donor or acceptor splice site typically lead to a loss of protein function (PMID: 16199547), and loss-of-function variants in COG1 are known to be pathogenic (PMID: 16537452). This variant is not present in population databases (gnomAD no frequency). This variant has not been reported in the literature in individuals affected with COG1-related conditions. ClinVar contains an entry for this variant (Variation ID: 2098246). Algorithms developed to predict the effect of sequence changes on RNA splicing suggest that this variant may disrupt the consensus splice site. In summary, the currently available evidence indicates that the variant is pathogenic, but additional data are needed to prove that conclusively. Therefore, this variant has been classified as Likely Pathogenic.

Literature cited by the submitters: PubMed 16199547; PubMed 16537452.